The following is an entry in ClinVar:

ClinVar aggregate classification (germline): Pathogenic (1 of 4 stars; one submission).

Submission:

Labcorp Genetics (formerly Invitae), Labcorp
Classification: Pathogenic. Last evaluated: 2024-03-01. Review status: criteria provided, single submitter. Criteria: Invitae Variant Classification Sherloc (09022015). Collection method: clinical testing. Allele origin: germline.
Comment: This sequence change creates a premature translational stop signal (p.Gly3075*) in the SRCAP gene. While this is not anticipated to result in nonsense mediated decay, it is expected to disrupt the last 156 amino acid(s) of the SRCAP protein. This variant is not present in population databases (gnomAD no frequency). This variant has not been reported in the literature in individuals affected with SRCAP-related conditions. This variant disrupts a region of the SRCAP protein in which other variant(s) (p.Arg3189*) have been determined to be pathogenic (PMID: 31130284). This suggests that this is a clinically significant region of the protein, and that variants that disrupt it are likely to be disease-causing. For these reasons, this variant has been classified as Pathogenic.

Literature cited by the submitters: PubMed 31130284.

NM_006662.3(SRCAP):c.9223G>T (p.Gly3075Ter)

Gene: SRCAP (Snf2 related CREBBP activator protein; plus strand). Cytogenetic location: 16p11.2.
Variant type: single nucleotide variant.
Coding change: c.9223G>T on transcript NM_006662.3 (MANE Select); coding-DNA position 9223, G replaced by T.
Protein change: p.Gly3075Ter; replaces glycine 3075 with a stop codon.
Molecular consequence: nonsense.
Genome position (GRCh38, 1-based): chr16:30,739,263, G>T. VCF-style: chr16-30739263-G-T. GRCh37 (hg19) VCF-style: chr16-30750584-G-T.
Other names: short protein forms G3075*.
Identifiers: ClinVar variation 3644038 (VCV003644038.2).